The following is an entry in ClinVar:

NM_000051.4:c.8732_8945del

Gene: ATM (ATM serine/threonine kinase; plus strand).
Variant type: Deletion.
Other names: delEX62_EX63; c.8732_8945del (NM_000051.4).
Identifiers: ClinVar variation 4057253 (VCV004057253.1).

ClinVar aggregate classification (germline): Pathogenic (1 of 4 stars; one submission).

Conditions:
ATM-related cancer predisposition. Also called: ATM-related cancer susceptibility. Identifiers: MedGen CN377759, MONDO:0700270.

Submission:

Dipartimento Di Medicina Di Precisione, Università Degli Studi Della Campania Luigi Vanvitelli
Classification: Pathogenic for ATM-related cancer predisposition. Review status: criteria provided, single submitter. Criteria: ACMG Guidelines, 2015. Collection method: clinical testing. Allele origin: germline. Affected: yes. Observed: 1 heterozygote.
Comment: Heterozygous deletion of exons 62–63 in the ATM gene, corresponding to NM_000051.4:c.8732_8945del. Predicted to cause a frameshift and premature stop codon, likely resulting in nonsense-mediated decay. Not reported in population databases or literature. Consistent with loss-of-function, a known disease mechanism for ATM.

Literature cited by the submitters: DOI 10.3390/ijms26135928.